The following is an entry in ClinVar:

ClinVar aggregate classification (germline): Uncertain significance (1 of 4 stars; one submission).

Conditions:
ENHANCED S-CONE SYNDROME 1 (ESCS1). Also called: RETINOSCHISIS WITH EARLY HEMERALOPIA; FAVRE HYALOIDEORETINAL DEGENERATION. Identifiers: MedGen CN380299, OMIM 268100.

gnomAD v4.1: 11 of 1,551,342 alleles (0.00071%); highest among the groups gnomAD compares: Non-Finnish European, 0.00096%; no homozygotes.

Submission:

Myriad Genetics, Inc.
Classification: Uncertain significance for ENHANCED S-CONE SYNDROME 1. Last evaluated: 2026-01-29. Review status: criteria provided, single submitter. Criteria: Myriad Autosomal Dominant, Autosomal Recessive and X-Linked Classification Criteria (2023). Collection method: clinical testing. Allele origin: unknown.
Comment: NM_014249.2(NR2E3):c.289C>G(R97G) is a missense variant classified as a variant of uncertain significance in the context of enhanced S-cone syndrome. R97G has not been observed in cases with relevant disease. Relevant functional assessments of this variant are not available in the literature. R97G has not been observed in referenced population frequency databases. In summary, there is insufficient evidence to classify NM_014249.2(NR2E3):c.289C>G(R97G) as pathogenic or benign. Please note: this variant was assessed in the context of healthy population screening.

NM_014249.4(NR2E3):c.289C>G (p.Arg97Gly)

Gene: NR2E3 (nuclear receptor subfamily 2 group E member 3; plus strand). Cytogenetic location: 15q23.
Variant type: single nucleotide variant.
Coding change: c.289C>G on transcript NM_014249.4 (MANE Select); coding-DNA position 289, C replaced by G.
Protein change: p.Arg97Gly; replaces arginine 97 with glycine.
Molecular consequence: missense variant.
Genome position (GRCh38, 1-based): chr15:71,811,809, C>G. VCF-style: chr15-71811809-C-G. GRCh37 (hg19) VCF-style: chr15-72104149-C-G.
Other names: c.289C>G, p.Arg97Gly (NM_016346.4); short protein forms R97G.
Identifiers: ClinVar variation 5003456 (VCV005003456.1).